The following is an entry in ClinVar:

ClinVar aggregate classification (germline): Uncertain significance (1 of 4 stars; one submission).

Submission:

GeneDx
Classification: Uncertain significance. Last evaluated: 2024-11-08. Review status: criteria provided, single submitter. Criteria: GeneDx Variant Classification Process June 2021. Collection method: clinical testing. Allele origin: germline. Affected: yes.
Comment: Not observed at significant frequency in large population cohorts (gnomAD); In silico analysis supports that this missense variant has a deleterious effect on protein structure/function; Has not been previously published as pathogenic or benign to our knowledge

NM_012338.4(TSPAN12):c.638T>C (p.Phe213Ser)

Gene: TSPAN12 (tetraspanin 12; minus strand). Cytogenetic location: 7q31.31.
Variant type: single nucleotide variant.
Coding change: c.638T>C on transcript NM_012338.4 (MANE Select); coding-DNA position 638, T replaced by C.
Protein change: p.Phe213Ser; replaces phenylalanine 213 with serine.
Molecular consequence: missense variant.
Genome position (GRCh38, 1-based): chr7:120,788,872, A>G on the plus strand (T>C on the coding strand, the complement: TSPAN12 is on the minus strand). VCF-style: chr7-120788872-A-G. GRCh37 (hg19) VCF-style: chr7-120428926-A-G.
Other names: short protein forms F213S.
Identifiers: ClinVar variation 3898976 (VCV003898976.1).